The following is an entry in ClinVar:

NM_000059.4(BRCA2):c.4219G>T (p.Glu1407Ter)

Gene: BRCA2 (BRCA2 DNA repair associated; plus strand). Cytogenetic location: 13q13.1.
Variant type: single nucleotide variant.
Coding change: c.4219G>T on transcript NM_000059.4 (MANE Select); coding-DNA position 4219, G replaced by T.
Protein change: p.Glu1407Ter; replaces glutamic acid 1407 with a stop codon.
Molecular consequence: nonsense.
Genome position (GRCh38, 1-based): chr13:32,338,574, G>T. VCF-style: chr13-32338574-G-T. GRCh37 (hg19) VCF-style: chr13-32912711-G-T.
Other names: short protein forms E1407*.
Identifiers: ClinVar variation 1399282 (VCV001399282.6), dbSNP rs2137504114, ClinGen allele CA387780296.
Genomic context (GRCh38, chr13:32,338,574, plus strand): 5'-TTAACTTTTTTGGAAGTTGCGAAAGCTCAAGAAGCATGTCATGGTAATACTTCAAATAAA[G>T]AACAGTTAACTGCTACTAAAACGGAGCAAAATATAAAAGATTTTGAGACTTCTGATACAT-3'

ClinVar aggregate classification (germline): Pathogenic (1 of 4 stars; one submission).

Conditions:
Hereditary breast ovarian cancer syndrome. Also called: Hereditary breast and ovarian cancer; Hereditary breast and ovarian cancer syndrome; Breast and ovarian cancer; BRCA1- and BRCA2-Associated Hereditary Breast and Ovarian Cancer; Hereditary breast and ovarian cancer syndrome (HBOC); Hereditary breast and/or ovarian cancer syndrome. Identifiers: Orphanet 145, MedGen C0677776, MeSH D061325, MONDO:0003582. Disease mechanism: loss of function.

Submission:

Labcorp Genetics (formerly Invitae), Labcorp
Classification: Pathogenic for Hereditary breast ovarian cancer syndrome. Last evaluated: 2025-10-14. Review status: criteria provided, single submitter. Criteria: Invitae Variant Classification Sherloc (09022015). Collection method: clinical testing. Allele origin: germline.
Comment: This sequence change creates a premature translational stop signal (p.Glu1407*) in the BRCA2 gene. It is expected to result in an absent or disrupted protein product. Loss-of-function variants in BRCA2 are known to be pathogenic (PMID: 20104584). This variant is not present in population databases (gnomAD no frequency). This variant has not been reported in the literature in individuals affected with BRCA2-related conditions. ClinVar contains an entry for this variant (Variation ID: 1399282). For these reasons, this variant has been classified as Pathogenic.

Literature cited by the submitters: PubMed 20104584.